The following is an entry in ClinVar:

NM_007357.3(COG2):c.1529G>T (p.Arg510Leu)

Gene: COG2 (component of oligomeric golgi complex 2; plus strand). Cytogenetic location: 1q42.2.
Variant type: single nucleotide variant.
Coding change: c.1529G>T on transcript NM_007357.3 (MANE Select); coding-DNA position 1529, G replaced by T.
Protein change: p.Arg510Leu; replaces arginine 510 with leucine.
Molecular consequence: missense variant.
Genome position (GRCh38, 1-based): chr1:230,687,083, G>T. VCF-style: chr1-230687083-G-T. GRCh37 (hg19) VCF-style: chr1-230822829-G-T.
Other names: c.1529G>T, p.Arg510Leu (NM_001145036.2); short protein forms R510L.
Identifiers: ClinVar variation 1030211 (VCV001030211.3), dbSNP rs138181699, ClinGen allele CA1447790.

ClinVar aggregate classification (germline): Uncertain significance. Review status: criteria provided, multiple submitters, no conflicts (2 of 4 stars). 3 submissions from 3 submitters: Uncertain significance (3). Last evaluated 2024-05-09.

Conditions:
Congenital disorder of glycosylation, type IIq. Also called: CDG IIq. Identifiers: Orphanet 435934, MedGen C4479353, MONDO:0054559, OMIM 617395.

Allele frequency attached by ClinVar (database versions not stated): TOPMed 0.00004.
gnomAD v4.1: 17 of 1,613,232 alleles (0.0011%); highest among the groups gnomAD compares: South Asian, 0.0022%; no homozygotes.

Submissions (3):

Ambry Genetics
Classification: Uncertain significance. Last evaluated: 2024-05-09. Review status: criteria provided, single submitter. Criteria: Ambry Variant Classification Scheme 2023. Collection method: clinical testing. Allele origin: germline.

Baylor Genetics
Classification: Uncertain significance for Congenital disorder of glycosylation, type IIq. Last evaluated: 2020-12-18. Review status: criteria provided, single submitter. Criteria: ACMG Guidelines, 2015. Collection method: clinical testing. Allele origin: unknown. Affected: yes.
Comment: This variant was determined to be of uncertain significance according to ACMG Guidelines, 2015 [PMID:25741868].

Breakthrough Genomics
Classification: Uncertain significance. Review status: criteria provided, single submitter. Criteria: ACMG Guidelines, 2015. Collection method: not provided. Allele origin: germline. Inheritance: Autosomal recessive inheritance. Affected: yes.